The following is an entry in ClinVar:

ClinVar aggregate classification (germline): Uncertain significance (1 of 4 stars; one submission).

Conditions:
Cardiomyopathy (CMYO). Also called: Cardiomyopathies. Identifiers: Orphanet 167848, MedGen C0878544, MONDO:0004994, HP:0001638. Inheritance: Various modes of inheritance.

Submission:

Color Diagnostics, LLC DBA Color Health
Classification: Uncertain significance for Cardiomyopathy. Last evaluated: 2023-10-02. Review status: criteria provided, single submitter. Criteria: ACMG Guidelines, 2015. Collection method: clinical testing. Allele origin: germline.
Comment: This missense variant replaces leucine with tryptophan at codon 58 of the TMEM43 protein. Computational prediction suggests that this variant may not impact protein structure and function (internally defined REVEL score threshold <= 0.5, PMID: 27666373). To our knowledge, functional studies have not been reported for this variant. This variant has not been reported in individuals affected with TMEM43-related disorders in the literature. This variant has not been identified in the general population by the Genome Aggregation Database (gnomAD). The available evidence is insufficient to determine the role of this variant in disease conclusively. Therefore, this variant is classified as a Variant of Uncertain Significance.

NM_024334.3(TMEM43):c.173T>G (p.Leu58Trp)

Gene: TMEM43 (transmembrane protein 43; plus strand). Cytogenetic location: 3p25.1.
Variant type: single nucleotide variant.
Coding change: c.173T>G on transcript NM_024334.3 (MANE Select); coding-DNA position 173, T replaced by G.
Protein change: p.Leu58Trp; replaces leucine 58 with tryptophan.
Molecular consequence: missense variant. On other transcripts: intron variant (1).
Genome position (GRCh38, 1-based): chr3:14,130,832, T>G. VCF-style: chr3-14130832-T-G. GRCh37 (hg19) VCF-style: chr3-14172332-T-G.
Other names: c.173T>G, p.Leu58Trp (NM_001407274.1, NM_001407275.1, NM_001407276.1 and 2 more transcripts); c.23T>G, p.Leu8Trp (NM_001407280.1); c.163-5T>G (NM_001407278.1); short protein forms L58W, L8W.
Identifiers: ClinVar variation 2774589 (VCV002774589.2), dbSNP rs2124986873, ClinGen allele CA351534499.